The following is an entry in ClinVar:

NM_000059.4(BRCA2):c.8957_8958del (p.Ile2986fs)

Gene: BRCA2 (BRCA2 DNA repair associated; plus strand). Cytogenetic location: 13q13.1.
Variant type: Microsatellite.
Coding change: c.8957_8958del on transcript NM_000059.4 (MANE Select); coding-DNA positions 8957 to 8958, 2 bases deleted (TA; older notation c.8957_8958delTA).
Protein change: p.Ile2986fs; shifts the reading frame from isoleucine 2986.
Molecular consequence: frameshift variant.
Genome position (GRCh38, 1-based): chr13:32,379,753-32,379,754, TA deleted; deleting any 2 consecutive bases within chr13:32,379,751-32,379,754 gives the same sequence; the c. name uses the placement nearest the transcript's 3' end. VCF-style (leftmost placement, unchanged base first): chr13-32379750-TTA-T. GRCh37 (hg19) VCF-style: chr13-32953887-TTA-T.
Other names: c.8957_8958del (NM_000059.3); short protein forms I2986fs.
Identifiers: ClinVar variation 801127 (VCV000801127.2), dbSNP rs1593937245, ClinGen allele CA915948617.
Genomic context (GRCh38, chr13:32,379,750, plus strand): 5'-ACAAACATTTAAATGATAATCACTTCTTCCATTGCATCTTTCTCATCTTTCTCCAAACAG[TTA>T]TACTGAGTATTTGGCGTCCATCATCAGATTTATATTCTCTGTTAACAGAAGGAAAGAGAT-3'

ClinVar aggregate classification (germline): Pathogenic (1 of 4 stars; one submission).

Submission:

Quest Diagnostics Nichols Institute San Juan Capistrano
Classification: Pathogenic. Last evaluated: 2019-07-19. Review status: criteria provided, single submitter. Criteria: Quest Diagnostics criteria. Collection method: clinical testing. Allele origin: germline.
Comment: The variant results in a shift of the reading frame, and is therefore predicted to result in the loss of a functional protein. Found in at least one symptomatic patient, and not found in general population data.